The following is an entry in ClinVar:

NM_018979.4(WNK1):c.*2413G>T

Gene: WNK1 (WNK lysine deficient protein kinase 1; plus strand). Cytogenetic location: 12p13.33.
Variant type: single nucleotide variant.
Coding change: c.*2413G>T on transcript NM_018979.4 (MANE Select); 2413 bases downstream of the stop codon, G replaced by T.
Molecular consequence: 3 prime UTR variant.
Genome position (GRCh38, 1-based): chr12:911,205, G>T. VCF-style: chr12-911205-G-T. GRCh37 (hg19) VCF-style: chr12-1020371-G-T.
Other names: c.*2413G>T (NM_001184985.2, NM_014823.3, NM_213655.5).
Identifiers: ClinVar variation 306729 (VCV000306729.6), dbSNP rs11571497, ClinGen allele CA10638765.

ClinVar aggregate classification (germline): Benign. Review status: criteria provided, multiple submitters, no conflicts (2 of 4 stars). 2 submissions from 2 submitters: Benign (2). Last evaluated 2018-01-13.

Conditions:
Pseudohypoaldosteronism type 2C (PHA2C). Also called: Pseudohypoaldosteronism Type IIC. Identifiers: Orphanet 757, Orphanet 88940, MedGen C1840391, MONDO:0013778, OMIM 614492.

Allele frequency attached by ClinVar (database versions not stated): gnomAD 0.00868 and 0.01059; TOPMed 0.00885; 1000 Genomes Project 0.02137.
gnomAD v4.1: 4,773 of 398,098 alleles (1.2%); highest among the groups gnomAD compares: South Asian, 5.2%; 56 homozygotes.

Submissions (2):

Illumina Laboratory Services, Illumina
Classification: Benign for Pseudohypoaldosteronism type 2C. Last evaluated: 2018-01-13. Review status: criteria provided, single submitter. Criteria: ICSL Variant Classification Criteria 13 December 2019. Collection method: clinical testing. Allele origin: germline.
Comment: This variant was observed in the ICSL laboratory as part of a predisposition screen in an ostensibly healthy population. It had not been previously curated by ICSL or reported in the Human Gene Mutation Database (HGMD: prior to June 1st, 2018), and was therefore a candidate for classification through an automated scoring system. Utilizing variant allele frequency, disease prevalence and penetrance estimates, and inheritance mode, an automated score was calculated to assess if this variant is too frequent to cause the disease. Based on the score and internal cut-off values, a variant classified as benign is not then subjected to further curation. The score for this variant resulted in a classification of benign for this disease.

Breakthrough Genomics
Classification: Benign. Review status: criteria provided, single submitter. Criteria: ACMG Guidelines, 2015. Collection method: not provided. Allele origin: germline. Inheritance: Autosomal recessive inheritance. Affected: yes.